The following is an entry in ClinVar:

ClinVar aggregate classification (germline): Uncertain significance (1 of 4 stars; one submission).

Conditions:
Hereditary cancer-predisposing syndrome. Also called: Hereditary neoplastic syndrome; Tumor predisposition; Hereditary Cancer Syndrome; Neoplastic Syndromes, Hereditary. Identifiers: Orphanet 140162, MedGen C0027672, MeSH D009386, MONDO:0015356.

Allele frequency attached by ClinVar (database versions not stated): gnomAD exomes below 0.00001.
gnomAD v4.1: 1 of 1,614,188 alleles (0.000062%); highest among the groups gnomAD compares: Non-Finnish European, 0.000085%; no homozygotes.

Submission:

Ambry Genetics
Classification: Uncertain significance for Hereditary cancer-predisposing syndrome. Last evaluated: 2023-08-03. Review status: criteria provided, single submitter. Criteria: Ambry Variant Classification Scheme 2023. Collection method: clinical testing. Allele origin: germline.
Comment: The p.Y135C variant (also known as c.404A>G), located in coding exon 1 of the AXIN2 gene, results from an A to G substitution at nucleotide position 404. The tyrosine at codon 135 is replaced by cysteine, an amino acid with highly dissimilar properties. This amino acid position is well conserved in available vertebrate species. In addition, the in silico prediction for this alteration is inconclusive. Since supporting evidence is limited at this time, the clinical significance of this alteration remains unclear.

NM_004655.4(AXIN2):c.404A>G (p.Tyr135Cys)

Gene: AXIN2 (axin 2; minus strand). Cytogenetic location: 17q24.1.
Variant type: single nucleotide variant.
Coding change: c.404A>G on transcript NM_004655.4 (MANE Select); coding-DNA position 404, A replaced by G.
Protein change: p.Tyr135Cys; replaces tyrosine 135 with cysteine.
Molecular consequence: missense variant.
Genome position (GRCh38, 1-based): chr17:65,558,217, T>C on the plus strand (A>G on the coding strand, the complement: AXIN2 is on the minus strand). VCF-style: chr17-65558217-T-C. GRCh37 (hg19) VCF-style: chr17-63554335-T-C.
Other names: c.404A>G, p.Tyr135Cys (NM_001363813.1); short protein forms Y135C.
Identifiers: ClinVar variation 2586359 (VCV002586359.2), dbSNP rs2044302441, ClinGen allele CA400681469.